The following is an entry in ClinVar:

ClinVar aggregate classification (germline): Conflicting classifications of pathogenicity. Review status: criteria provided, conflicting classifications (1 of 4 stars). 3 submissions from 3 submitters: Likely pathogenic (1); Uncertain significance (2). Last evaluated 2024-03-04.

Conditions:
Familial thoracic aortic aneurysm and aortic dissection (TAAD). Also called: Thoracic aortic aneurysms and dissections. Identifiers: Orphanet 91387, MedGen C4707243, MONDO:0019625.
Marfan syndrome (MFS). Also called: FBN1-Related Marfan Syndrome; Marfan syndrome type 1; Marfan's syndrome; Marfan syndrome, classic; MARFAN SYNDROME, TYPE I. Identifiers: Orphanet 284963, Orphanet 558, MedGen C0024796, MONDO:0007947, OMIM 154700.

Allele frequency attached by ClinVar (database versions not stated): 1000 Genomes Project 0.00020; 1000 Genomes Project 30x 0.00016; ExAC 0.00001.

Submissions (3):

Labcorp Genetics (formerly Invitae), Labcorp
Classification: Likely pathogenic for Marfan syndrome; Familial thoracic aortic aneurysm and aortic dissection. Last evaluated: 2024-03-04. Review status: criteria provided, single submitter. Criteria: Invitae Variant Classification Sherloc (09022015). Collection method: clinical testing. Allele origin: germline.
Comment: This sequence change replaces glycine, which is neutral and non-polar, with tryptophan, which is neutral and slightly polar, at codon 1353 of the FBN1 protein (p.Gly1353Trp). This variant is not present in population databases (gnomAD no frequency). This missense change has been observed in individual(s) with clinical features of FBN1-related conditions (Invitae). ClinVar contains an entry for this variant (Variation ID: 632808). Advanced modeling of protein sequence and biophysical properties (such as structural, functional, and spatial information, amino acid conservation, physicochemical variation, residue mobility, and thermodynamic stability) performed at Invitae indicates that this missense variant is expected to disrupt FBN1 protein function with a positive predictive value of 95%. This variant disrupts the p.Gly1353 amino acid residue in FBN1. Other variant(s) that disrupt this residue have been determined to be pathogenic (PMID: 19293843, 31211624; Invitae). This suggests that this residue is clinically significant, and that variants that disrupt this residue are likely to be disease-causing. In summary, the currently available evidence indicates that the variant is pathogenic, but additional data are needed to prove that conclusively. Therefore, this variant has been classified as Likely Pathogenic.

Ambry Genetics
Classification: Uncertain significance for Familial thoracic aortic aneurysm and aortic dissection. Last evaluated: 2018-11-29. Review status: criteria provided, single submitter. Criteria: Ambry Variant Classification Scheme 2023. Collection method: clinical testing. Allele origin: germline.
Comment: The p.G1353W variant (also known as c.4057G>T), located in coding exon 32 of the FBN1 gene, results from a G to T substitution at nucleotide position 4057. The glycine at codon 1353 is replaced by tryptophan, an amino acid with highly dissimilar properties, and is located in the cbEGF-like #18 domain. Another variant affecting this codon (p.G1353R, c.4057G>A) was detected in an individual from a suspected Marfan syndrome cohort, who did not meet Ghent criteria and also had a second variant in FBN1 (Stheneur C et al. Eur. J. Hum. Genet. 2009 Sep;17:1121-8). This amino acid position is highly conserved in available vertebrate species. In addition, this alteration is predicted to be deleterious by in silico analysis. Since supporting evidence is limited at this time, the clinical significance of this alteration remains unclear.

Women's Health and Genetics/Laboratory Corporation of America, LabCorp
Classification: Uncertain significance. Last evaluated: 2017-10-24. Review status: criteria provided, single submitter. Criteria: LabCorp Variant Classification Summary - May 2015. Collection method: clinical testing. Allele origin: germline.
Comment: Variant summary: The FBN1 c.4057G>T (p.Gly1353Trp) variant located in the cb EGF-like #18 domain (via UMD) involves the alteration of a conserved nucleotide and 4/4 in silico tools predict a damaging outcome for this variant (SNPsandGO not captured due to low reliability index). However, these predictions have yet to be functionally assessed. This variant is absent in 246104 control chromosomes (gnomAD). The variant of interest has not, to our knowledge, been reported in affected individuals via publications and/or reputable databases/clinical diagnostic laboratories. However, another variant affecting the same codon, c.4057G>A (p.Gly1353Arg) has been reported in at least one affected individual suggesting the codon could be important for proper FBN1 function, although Cysteines have been well-established to play a key role in FBN1 protein function. Therefore, due to lack of clinical information and/or functional studies, the variant is classified as a "Variant of Uncertain Significance - Possibly Pathogenic," until additional information becomes available.

Literature cited by the submitters: PubMed 19293843 (cited by Labcorp Genetics (formerly Invitae), Labcorp and Ambry Genetics); PubMed 31211624 (cited by Labcorp Genetics (formerly Invitae), Labcorp).

NM_000138.5(FBN1):c.4057G>T (p.Gly1353Trp)

Gene: FBN1 (fibrillin 1; minus strand). Cytogenetic location: 15q21.1.
Variant type: single nucleotide variant.
Coding change: c.4057G>T on transcript NM_000138.5 (MANE Select); coding-DNA position 4057, G replaced by T.
Protein change: p.Gly1353Trp; replaces glycine 1353 with tryptophan.
Molecular consequence: missense variant.
Genome position (GRCh38, 1-based): chr15:48,474,558, C>A on the plus strand (G>T on the coding strand, the complement: FBN1 is on the minus strand). VCF-style: chr15-48474558-C-A. GRCh37 (hg19) VCF-style: chr15-48766755-C-A.
Other names: short protein forms G1353W.
Identifiers: ClinVar variation 632808 (VCV000632808.9), dbSNP rs187177496, ClinGen allele CA051936.